The following is an entry in ClinVar:

ClinVar aggregate classification (germline): Uncertain significance (1 of 4 stars; one submission).

Conditions:
MELAS syndrome (MELAS). Also called: Juvenile myopathy, encephalopathy, lactic acidosis, stroke. Identifiers: Orphanet 550, MedGen C0162671, MONDO:0010789, OMIM 540000.

Submission:

Wong Mito Lab, Molecular and Human Genetics, Baylor College of Medicine
Classification: Uncertain significance for MELAS syndrome. Last evaluated: 2019-07-12. Review status: criteria provided, single submitter. Criteria: Modified ACMG Guidelines (Unpublished). Collection method: clinical testing. Allele origin: germline.
Comment: The NC_012920.1:m.9993T>C variant in MT-TG gene is interpreted to be a Unknown Significance variant based on the modified ACMG guidelines (unpublished). This variant meets the following evidence codes reported in the guidelines: PP3, PP6

Literature cited by the submitters: PubMed 31965079.

NC_012920.1(MT-TG):m.9993T>C

Gene: MT-TG (mitochondrially encoded tRNA glycine; plus strand).
Variant type: single nucleotide variant.
Genome position: chrM-9993-T-C.
Identifiers: ClinVar variation 690087 (VCV000690087.1), dbSNP rs1603222613, ClinGen allele CA913182440.
Genomic context (GRCh38, chrMT:9,993, plus strand): 5'-CATTTTGTAGATGTGGTTTGACTATTTCTGTATGTCTCCATCTATTGATGAGGGTCTTAC[T>C]CTTTTAGTATAAATAGTACCGTTAACTTCCAATTAACTAGTTTTGACAACATTCAAAAAA-3'